The following is an entry in ClinVar:

NM_015178.3(RHOBTB2):c.1376A>G (p.Asp459Gly)

Gene: RHOBTB2 (Rho related BTB domain containing 2; plus strand). Cytogenetic location: 8p21.3.
Variant type: single nucleotide variant.
Coding change: c.1376A>G on transcript NM_015178.3 (MANE Select); coding-DNA position 1376, A replaced by G.
Protein change: p.Asp459Gly; replaces aspartic acid 459 with glycine.
Molecular consequence: missense variant.
Genome position (GRCh38, 1-based): chr8:23,007,621, A>G. VCF-style: chr8-23007621-A-G. GRCh37 (hg19) VCF-style: chr8-22865134-A-G.
Other names: c.1442A>G, p.Asp481Gly (NM_001160036.2); c.1397A>G, p.Asp466Gly (NM_001160037.2); c.1376A>G, p.Asp459Gly (NM_001374791.1); short protein forms D466G, D481G, D459G.
Identifiers: ClinVar variation 932476 (VCV000932476.43), dbSNP rs1811011518, ClinGen allele CA370568777.
Genomic context (GRCh38, chr8:23,007,621, plus strand): 5'-ATGAGAACGAGCGTGACCTCATGCACATTGCCCACATTGCTGAGCTGCTCGAGGTCTTTG[A>G]TCTGCGCATGATGGTGGCCAACATTCTCAACAATGAGGCCTTCATGAACCAGGAGATCAC-3'
Protein context (NP_055993.2, residues 449-469): AHIAELLEVF[Asp459Gly]LRMMVANILN

ClinVar aggregate classification (germline): Conflicting classifications of pathogenicity. Review status: criteria provided, conflicting classifications (1 of 4 stars). 3 submissions from 3 submitters: Likely pathogenic (1); Uncertain significance (2). Last evaluated 2022-01-03.

Conditions:
Developmental and epileptic encephalopathy, 64. Also called: EPILEPTIC ENCEPHALOPATHY, EARLY INFANTILE, 64. Identifiers: MedGen C4693899, MONDO:0033373, OMIM 618004.

Submissions (3):

3billion
Classification: Uncertain significance for Developmental and epileptic encephalopathy, 64. Last evaluated: 2022-01-03. Review status: criteria provided, single submitter. Criteria: ACMG Guidelines, 2015. Collection method: clinical testing. Allele origin: germline. Affected: yes. Observed: 1 heterozygote.
Comment: Same nucleotide change resulting in same amino acid change has been previously reported to be associated with RHOBTB2 related disorder (ClinVar ID: VCV000932476, PS1_P). In silico tool predictions suggest damaging effect of the variant on gene or gene product (3CNET: 0.983, PP3_P). A missense variant is a common mechanism associated with Epileptic encephalopathy (PP2_P). It is not observed in the gnomAD v2.1.1 dataset (PM2_M). Therefore, this variant is classified as uncertain significance according to the recommendation of ACMG/AMP guideline.

Institute of Medical Genetics and Applied Genomics, University Hospital Tübingen
Classification: Likely pathogenic. Last evaluated: 2020-10-23. Review status: criteria provided, single submitter. Criteria: ACMG Guidelines, 2015. Collection method: clinical testing. Allele origin: germline. Inheritance: Unknown mechanism. Affected: yes.

CeGaT Center for Human Genetics Tuebingen
Classification: Uncertain significance. Last evaluated: 2020-04-01. Review status: criteria provided, single submitter. Criteria: CeGaT Center For Human Genetics Tuebingen Variant Classification Criteria Version 2. Collection method: clinical testing. Allele origin: germline. Affected: yes. Observed: 1 variant allele.